The following is an entry in ClinVar:

NM_001354930.2(RIPK1):c.1200A>T (p.Arg400Ser)

Gene: RIPK1 (receptor interacting serine/threonine kinase 1; plus strand). Cytogenetic location: 6p25.2.
Variant type: single nucleotide variant.
Coding change: c.1200A>T on transcript NM_001354930.2 (MANE Select); coding-DNA position 1200, A replaced by T.
Protein change: p.Arg400Ser; replaces arginine 400 with serine.
Molecular consequence: missense variant.
Genome position (GRCh38, 1-based): chr6:3,105,675, A>T. VCF-style: chr6-3105675-A-T. GRCh37 (hg19) VCF-style: chr6-3105909-A-T.
Other names: c.711A>T, p.Arg237Ser (NM_001317061.3, NM_001354932.2, NM_001354933.2 and 1 more transcripts); c.1062A>T, p.Arg354Ser (NM_001354931.2); c.1200A>T, p.Arg400Ser (NM_003804.6); short protein forms R400S, R237S, R354S.
Identifiers: ClinVar variation 1469210 (VCV001469210.6), dbSNP rs2113694801, ClinGen allele CA362571842.

ClinVar aggregate classification (germline): Uncertain significance (1 of 4 stars; one submission).

Submission:

Labcorp Genetics (formerly Invitae), Labcorp
Classification: Uncertain significance. Last evaluated: 2021-01-16. Review status: criteria provided, single submitter. Criteria: Invitae Variant Classification Sherloc (09022015). Collection method: clinical testing. Allele origin: germline.
Comment: In summary, the available evidence is currently insufficient to determine the role of this variant in disease. Therefore, it has been classified as a Variant of Uncertain Significance. Algorithms developed to predict the effect of missense changes on protein structure and function are either unavailable or do not agree on the potential impact of this missense change (SIFT: "Not Available"; PolyPhen-2: "Benign"; Align-GVGD: "Not Available"). This variant has not been reported in the literature in individuals with RIPK1-related conditions. This variant is not present in population databases (ExAC no frequency). This sequence change replaces arginine with serine at codon 400 of the RIPK1 protein (p.Arg400Ser). The arginine residue is moderately conserved and there is a moderate physicochemical difference between arginine and serine.